The following is an entry in ClinVar:

ClinVar aggregate classification (germline): Uncertain significance (1 of 4 stars; one submission).

Submission:

GeneDx
Classification: Uncertain significance. Last evaluated: 2024-04-29. Review status: criteria provided, single submitter. Criteria: GeneDx Variant Classification Process June 2021. Collection method: clinical testing. Allele origin: germline. Affected: yes.
Comment: Not observed at significant frequency in large population cohorts (gnomAD); In silico analysis supports that this missense variant has a deleterious effect on protein structure/function; Has not been previously published as pathogenic or benign to our knowledge

NM_006014.5(LAGE3):c.383C>T (p.Ser128Phe)

Gene: LAGE3 (L antigen family member 3; minus strand). Cytogenetic location: Xq28.
Variant type: single nucleotide variant.
Coding change: c.383C>T on transcript NM_006014.5 (MANE Select); coding-DNA position 383, C replaced by T.
Protein change: p.Ser128Phe; replaces serine 128 with phenylalanine.
Molecular consequence: missense variant.
Genome position (GRCh38, 1-based): chrX:154,477,993, G>A on the plus strand (C>T on the coding strand, the complement: LAGE3 is on the minus strand). VCF-style: chrX-154477993-G-A. GRCh37 (hg19) VCF-style: chrX-153706332-G-A.
Other names: short protein forms S128F.
Identifiers: ClinVar variation 3373045 (VCV003373045.1).
Genomic context (GRCh38, chrX:154,477,993, plus strand): 5'-CCAGGCCAGGCTTAGCGGGAAACGGGGGGCCCAAAGCGCTGCATGGTCCGCACCACCAGG[G>A]AAAGCTGGTCAAGAAAGTTGATGACGGAAATTCGGAGCAGGCGACAGTCTTCAGCTTTCC-3'
Protein context (NP_006005.2, residues 118-138): ISVINFLDQL[Ser128Phe]LVVRTMQRFG